The following is an entry in ClinVar:

NM_000170.3(GLDC):c.2896A>G (p.Arg966Gly)

Gene: GLDC (glycine decarboxylase; minus strand). Cytogenetic location: 9p24.1.
Variant type: single nucleotide variant.
Coding change: c.2896A>G on transcript NM_000170.3 (MANE Select); coding-DNA position 2896, A replaced by G.
Protein change: p.Arg966Gly; replaces arginine 966 with glycine.
Molecular consequence: missense variant.
Genome position (GRCh38, 1-based): chr9:6,534,731, T>C on the plus strand (A>G on the coding strand, the complement: GLDC is on the minus strand). VCF-style: chr9-6534731-T-C. GRCh37 (hg19) VCF-style: chr9-6534731-T-C.
Other names: short protein forms R966G.
Identifiers: ClinVar variation 56091 (VCV000056091.2), dbSNP rs386833573, ClinGen allele CA263406.

ClinVar aggregate classification (germline): Likely pathogenic (0 of 4 stars; one submission).

Conditions:
Glycine encephalopathy. Also called: Nonketotic hyperglycinemia; Non-ketotic hyperglycinemia. Identifiers: Orphanet 407, MedGen C0751748, MONDO:0011612, HP:0008288.

Submission:

Juha Muilu Group; Institute for Molecular Medicine Finland (FIMM)
Classification: Likely pathogenic for Non-ketotic hyperglycinemia. Review status: no assertion criteria provided. Collection method: not provided. Allele origin: unknown.
Comment: FinDis database variant: This variant was not found or characterized by our laboratory, data were collected from public sources: see reference
ClinVar note: Converted during submission from probable-pathogenic to Likely pathogenic.